The following is an entry in ClinVar:

NM_144997.7(FLCN):c.1219del (p.Ser407fs)

Gene: FLCN (folliculin; minus strand). Cytogenetic location: 17p11.2.
Variant type: Deletion.
Coding change: c.1219del on transcript NM_144997.7 (MANE Select); coding-DNA position 1219, one base deleted (A; older notation c.1219delA).
Protein change: p.Ser407fs; shifts the reading frame from serine 407.
Molecular consequence: frameshift variant.
Genome position (GRCh38, 1-based): chr17:17,216,461, T deleted on the plus strand (A on the coding strand, the reverse complement: FLCN is on the minus strand). VCF-style (leftmost placement, unchanged base first): chr17-17216460-CT-C. GRCh37 (hg19) VCF-style: chr17-17119774-CT-C.
Other names: c.1219del (LRG_325t1, NM_144997.5); c.1273del, p.Ser425fs (NM_001353229.2); c.1219del, p.Ser407fs (NM_001353230.2, NM_001353231.2); short protein forms S425fs, S407fs.
Identifiers: ClinVar variation 241915 (VCV000241915.13), dbSNP rs878855213, ClinGen allele CA10583452.

ClinVar aggregate classification (germline): Pathogenic. Review status: criteria provided, multiple submitters, no conflicts (2 of 4 stars). 3 submissions from 3 submitters: Pathogenic (3). Last evaluated 2025-11-07.

Conditions:
Birt-Hogg-Dube syndrome. Also called: Birt Hogg Dubé syndrome. Identifiers: Orphanet 122, MedGen C0346010, MONDO:0800444.
Hereditary cancer-predisposing syndrome. Also called: Neoplastic Syndromes, Hereditary; Tumor predisposition; Hereditary neoplastic syndrome; Hereditary Cancer Syndrome. Identifiers: Orphanet 140162, MedGen C0027672, MeSH D009386, MONDO:0015356.

Submissions (3):

Ambry Genetics
Classification: Pathogenic for Hereditary cancer-predisposing syndrome. Last evaluated: 2025-11-07. Review status: criteria provided, single submitter. Criteria: Ambry Variant Classification Scheme 2023. Collection method: clinical testing. Allele origin: germline.
Comment: The c.1219delA pathogenic mutation, located in coding exon 8 of the FLCN gene, results from a deletion of one nucleotide at nucleotide position 1219, causing a translational frameshift with a predicted alternate stop codon (p.S407Afs*61). This alteration was detected in an individual with multiple, bilateral lung cysts and numerous spontaneous pneumothoraces, as well as a sister with multiple pneumothoraces (Burkett A et al. Respir Med Case Rep. 2016 Aug;19:106-8). This variant is considered to be rare based on population cohorts in the Genome Aggregation Database (gnomAD). In addition to the clinical data presented in the literature, this alteration is expected to result in loss of function by premature protein truncation or nonsense-mediated mRNA decay. As such, this alteration is interpreted as a disease-causing mutation.

Labcorp Genetics (formerly Invitae), Labcorp
Classification: Pathogenic for Birt-Hogg-Dube syndrome. Last evaluated: 2024-12-16. Review status: criteria provided, single submitter. Criteria: Invitae Variant Classification Sherloc (09022015). Collection method: clinical testing. Allele origin: germline.
Comment: This sequence change creates a premature translational stop signal (p.Ser407Alafs*61) in the FLCN gene. It is expected to result in an absent or disrupted protein product. Loss-of-function variants in FLCN are known to be pathogenic (PMID: 15852235). This variant is not present in population databases (gnomAD no frequency). This premature translational stop signal has been observed in individual(s) with Birt-Hogg-Dubé (BHD) syndrome (PMID: 27642565). ClinVar contains an entry for this variant (Variation ID: 241915). For these reasons, this variant has been classified as Pathogenic.

GeneDx
Classification: Pathogenic. Last evaluated: 2021-04-09. Review status: criteria provided, single submitter. Criteria: GeneDx Variant Classification Process June 2021. Collection method: clinical testing. Allele origin: germline. Affected: yes.
Comment: Frameshift variant predicted to result in protein truncation or nonsense mediated decay in a gene for which loss-of-function is a known mechanism of disease; Not observed in large population cohorts (Lek 2016); Observed in individuals with a personal or family history consistent with pathogenic variants in this gene (Burkett 2016); This variant is associated with the following publications: (PMID: 27642565)

Literature cited by the submitters: PubMed 27642565 (cited by Ambry Genetics and Labcorp Genetics (formerly Invitae), Labcorp); PubMed 15852235 (cited by Labcorp Genetics (formerly Invitae), Labcorp).